The following is an entry in ClinVar:

ClinVar aggregate classification (germline): Conflicting classifications of pathogenicity. Review status: criteria provided, conflicting classifications (1 of 4 stars). 4 submissions from 4 submitters: Uncertain significance (2); Likely benign (2). Last evaluated 2025-07-21.

Conditions:
Inborn genetic diseases. Identifiers: MedGen C0950123, MeSH D030342.
OTOGL-related disorder. Also called: OTOGL-related condition.

Allele frequency attached by ClinVar (database versions not stated): gnomAD exomes 0.00004 and 0.00019; ExAC 0.00046; ESP Exome Variant Server 0.00052; 1000 Genomes Project 30x 0.00094; 1000 Genomes Project 0.00120.
gnomAD v4.1: 149 of 1,305,050 alleles (0.011%); highest among the groups gnomAD compares: African/African-American, 0.2%; no homozygotes.

Submissions (4):

Labcorp Genetics (formerly Invitae), Labcorp
Classification: Likely benign. Last evaluated: 2025-07-21. Review status: criteria provided, single submitter. Criteria: Invitae Variant Classification Sherloc (09022015). Collection method: clinical testing. Allele origin: germline.

PreventionGenetics, part of Exact Sciences
Classification: Likely benign for OTOGL-related condition. Last evaluated: 2025-01-03. Review status: criteria provided, single submitter. Criteria: ACMG Guidelines, 2015. Collection method: clinical testing. Allele origin: germline.
Comment: This variant is classified as likely benign based on ACMG/AMP sequence variant interpretation guidelines (Richards et al. 2015 PMID: 25741868, with internal and published modifications).

GeneDx
Classification: Uncertain significance. Last evaluated: 2024-05-06. Review status: criteria provided, single submitter. Criteria: GeneDx Variant Classification Process June 2021. Collection method: clinical testing. Allele origin: germline. Affected: yes.
Comment: In silico analysis supports that this missense variant has a deleterious effect on protein structure/function; Has not been previously published as pathogenic or benign to our knowledge

Ambry Genetics
Classification: Uncertain significance for Inborn genetic diseases. Last evaluated: 2021-08-09. Review status: criteria provided, single submitter. Criteria: Ambry Variant Classification Scheme 2023. Collection method: clinical testing. Allele origin: germline.

NM_001378609.3(OTOGL):c.3786C>G (p.Phe1262Leu)

Gene: OTOGL (otogelin like; plus strand). Cytogenetic location: 12q21.31.
Variant type: single nucleotide variant.
Coding change: c.3786C>G on transcript NM_001378609.3 (MANE Select); coding-DNA position 3786, C replaced by G.
Protein change: p.Phe1262Leu; replaces phenylalanine 1262 with leucine.
Molecular consequence: missense variant.
Genome position (GRCh38, 1-based): chr12:80,318,697, C>G. VCF-style: chr12-80318697-C-G. GRCh37 (hg19) VCF-style: chr12-80712477-C-G.
Other names: c.3651C>G, p.Phe1217Leu (NM_001368062.3); c.3786C>G, p.Phe1262Leu (NM_001378610.3, NM_173591.7); short protein forms F1217L, F1262L.
Identifiers: ClinVar variation 1199755 (VCV001199755.14), dbSNP rs199807709, ClinGen allele CA6701169.